The following is an entry in ClinVar:

NM_000053.4(ATP7B):c.2893G>A (p.Glu965Lys)

Gene: ATP7B (ATPase copper transporting beta; minus strand). Cytogenetic location: 13q14.3.
Variant type: single nucleotide variant.
Coding change: c.2893G>A on transcript NM_000053.4 (MANE Select); coding-DNA position 2893, G replaced by A.
Protein change: p.Glu965Lys; replaces glutamic acid 965 with lysine.
Molecular consequence: missense variant. On other transcripts: intron variant (6).
Genome position (GRCh38, 1-based): chr13:51,946,451, C>T on the plus strand (G>A on the coding strand, the complement: ATP7B is on the minus strand). VCF-style: chr13-51946451-C-T. GRCh37 (hg19) VCF-style: chr13-52520587-C-T.
Other names: c.2272G>A, p.Glu758Lys (NM_001005918.3); c.2560G>A, p.Glu854Lys (NM_001243182.2); c.2659G>A, p.Glu887Lys (NM_001330578.2, NM_001406538.1, NM_001406527.1 and 1 more transcripts); c.2641G>A, p.Glu881Lys (NM_001330579.2, NM_001406531.1, NM_001406532.1); c.2893G>A, p.Glu965Lys (NM_001406511.1, NM_001406512.1, NM_001406513.1 and 2 more transcripts); c.2860G>A, p.Glu954Lys (NM_001406514.1); c.2839G>A, p.Glu947Lys (NM_001406515.1, NM_001406516.1); c.2797G>A, p.Glu933Lys (NM_001406517.1, NM_001406518.1); and 18 more; short protein forms E535K, E749K, E758K, E771K, E803K, E822K, E849K, E854K.
Identifiers: ClinVar variation 4758111 (VCV004758111.1).

ClinVar aggregate classification (germline): Uncertain significance (1 of 4 stars; one submission).

Conditions:
Wilson disease (WND). Also called: Wilson's disease. Identifiers: Orphanet 905, MedGen C0019202, MONDO:0010200, OMIM 277900. Disease mechanism: loss of function.

gnomAD v4.1: 1 of 1,614,236 alleles (0.000062%); highest among the groups gnomAD compares: East Asian, 0.0022%; no homozygotes.

Submission:

Color Diagnostics, LLC DBA Color Health
Classification: Uncertain significance for Wilson disease. Last evaluated: 2025-10-02. Review status: criteria provided, single submitter. Criteria: ACMG Guidelines, 2015. Collection method: clinical testing. Allele origin: germline.
Comment: This missense variant replaces glutamic acid with lysine at codon 965 of the ATP7B protein. Computational prediction suggests that this variant may have deleterious impact on protein structure and function. To our knowledge, functional studies have not been reported for this variant. This variant has not been reported in individuals affected with ATP7B-related disorders in the literature. This variant has been identified in 1/1461872 chromosomes in the general population by the Genome Aggregation Database (gnomAD). The available evidence is insufficient to determine the role of this variant in disease conclusively. Therefore, this variant is classified as a Variant of Uncertain Significance.